The following is an entry in ClinVar:

ClinVar aggregate classification (germline): Uncertain significance (1 of 4 stars; one submission).

Conditions:
Pheochromocytoma. Also called: MAX-Related Hereditary Paraganglioma-Pheochromocytoma Syndrome. Identifiers: Orphanet 29072, MedGen C0031511, MONDO:0008233, OMIM 171300, HP:0002666.
Gastrointestinal stromal tumor. Also called: Gastrointestinal stromal tumor, somatic; Gastrointestinal stroma tumor. Identifiers: Orphanet 44890, MedGen C0238198, MeSH D046152, MONDO:0011719, OMIM 606764, HP:0100723.
Pheochromocytoma/paraganglioma syndrome 4. Also called: SDHB-Related Hereditary Paraganglioma-Pheochromocytoma Syndrome (Paragangliomas 4); SDHB-Related Hereditary Paraganglioma-Pheochromocytoma Syndrome; CAROTID BODY TUMORS AND MULTIPLE EXTRAADRENAL PHEOCHROMOCYTOMAS; PARAGANGLIOMA, FAMILIAL MALIGNANT; PARAGANGLIOMAS, HEREDITARY EXTRAADRENAL; PHEOCHROMOCYTOMA, FAMILIAL EXTRAADRENAL. Identifiers: Orphanet 29072, MedGen C1861848, MONDO:0007273, OMIM 115310.

gnomAD v4.1: 3 of 1,612,962 alleles (0.00019%); highest among the groups gnomAD compares: East Asian, 0.0067%; no homozygotes.

Submission:

Labcorp Genetics (formerly Invitae), Labcorp
Classification: Uncertain significance for Gastrointestinal stromal tumor; Pheochromocytoma/paraganglioma syndrome 4; Pheochromocytoma. Last evaluated: 2022-03-01. Review status: criteria provided, single submitter. Criteria: Invitae Variant Classification Sherloc (09022015). Collection method: clinical testing. Allele origin: germline.
Comment: In summary, the available evidence is currently insufficient to determine the role of this variant in disease. Therefore, it has been classified as a Variant of Uncertain Significance. Advanced modeling of protein sequence and biophysical properties (such as structural, functional, and spatial information, amino acid conservation, physicochemical variation, residue mobility, and thermodynamic stability) performed at Invitae indicates that this missense variant is not expected to disrupt SDHB protein function. This variant has not been reported in the literature in individuals affected with SDHB-related conditions. This variant is not present in population databases (gnomAD no frequency). This sequence change replaces arginine, which is basic and polar, with proline, which is neutral and non-polar, at codon 11 of the SDHB protein (p.Arg11Pro).

NM_003000.3(SDHB):c.32G>C (p.Arg11Pro)

Gene: SDHB (succinate dehydrogenase complex iron sulfur subunit B; minus strand). Cytogenetic location: 1p36.13.
Variant type: single nucleotide variant.
Coding change: c.32G>C on transcript NM_003000.3 (MANE Select); coding-DNA position 32, G replaced by C.
Protein change: p.Arg11Pro; replaces arginine 11 with proline.
Molecular consequence: missense variant.
Genome position (GRCh38, 1-based): chr1:17,053,988, C>G on the plus strand (G>C on the coding strand, the complement: SDHB is on the minus strand). VCF-style: chr1-17053988-C-G. GRCh37 (hg19) VCF-style: chr1-17380483-C-G.
Other names: c.32G>C, p.Arg11Pro (NM_001407361.1); short protein forms R11P.
Identifiers: ClinVar variation 1955402 (VCV001955402.5), dbSNP rs111430410, ClinGen allele CA338230829.
Genomic context (GRCh38, chr1:17,053,988, plus strand): 5'-TCTGAGGCTCCAGGACTCACCTGCAGGCAGGCTCCGCCAAGGGTTGTGGCCGGCAACCGG[C>G]GCCTCAAGGAGAGGGCGACCACCGCCGCCATCTTGGCTCCTGACGTCAGCCCCACCCCTT-3'
Protein context (NP_002991.2, residues 1-21): MAAVVALSLR[Arg11Pro]RLPATTLGGA